The following is an entry in ClinVar:

ClinVar aggregate classification (germline): Benign/Likely benign. Review status: criteria provided, multiple submitters, no conflicts (2 of 4 stars). 2 submissions from 2 submitters: Benign (1); Likely benign (1). Last evaluated 2026-08-03.

Conditions:
Familial colorectal cancer type X. Identifiers: Orphanet 440437, MedGen C3896578, MONDO:0018604.

Allele frequency attached by ClinVar (database versions not stated): TOPMed below 0.00001; gnomAD 0.00001; ExAC 0.00001.
gnomAD v4.1: 3 of 1,608,206 alleles (0.00019%); highest among the groups gnomAD compares: Admixed American, 0.0017%; no homozygotes.

Submissions (2):

Myriad Genetics, Inc.
Classification: Benign for Familial colorectal cancer type X. Last evaluated: 2026-08-03. Review status: criteria provided, single submitter. Criteria: Myriad Autosomal Dominant, Autosomal Recessive and X-Linked Classification Criteria (2023). Collection method: clinical testing. Allele origin: unknown.
Comment: This variant is considered benign. This variant is a silent/synonymous amino acid change and it is not expected to impact splicing.

Ambry Genetics
Classification: Likely benign. Last evaluated: 2022-06-23. Review status: criteria provided, single submitter. Criteria: Ambry Variant Classification Scheme 2023. Collection method: clinical testing. Allele origin: germline.

NM_001023.4(RPS20):c.210T>C (p.Cys70=)

Gene: RPS20 (ribosomal protein S20; minus strand). Cytogenetic location: 8q12.1.
Variant type: single nucleotide variant.
Coding change: c.210T>C on transcript NM_001023.4 (MANE Select); coding-DNA position 210, T replaced by C.
Protein change: p.Cys70=; no amino-acid change (cysteine 70 retained).
Molecular consequence: synonymous variant.
Genome position (GRCh38, 1-based): chr8:56,073,240, A>G on the plus strand (T>C on the coding strand, the complement: RPS20 is on the minus strand). VCF-style: chr8-56073240-A-G. GRCh37 (hg19) VCF-style: chr8-56985799-A-G.
Other names: c.210T>C, p.Cys70= (NM_001146227.3).
Identifiers: ClinVar variation 1786081 (VCV001786081.3), dbSNP rs766012489, ClinGen allele CA4754328.